The following is an entry in ClinVar:

ClinVar aggregate classification (germline): Uncertain significance (1 of 4 stars; one submission).

Allele frequency attached by ClinVar (database versions not stated): gnomAD exomes below 0.00001.
gnomAD v4.1: 2 of 1,614,072 alleles (0.00012%); highest among the groups gnomAD compares: Non-Finnish European, 0.00017%; no homozygotes.

Submission:

Ambry Genetics
Classification: Uncertain significance. Last evaluated: 2021-10-13. Review status: criteria provided, single submitter. Criteria: Ambry Variant Classification Scheme 2023. Collection method: clinical testing. Allele origin: germline.
Comment: The p.I1852V variant (also known as c.5554A>G), located in coding exon 16 of the POLQ gene, results from an A to G substitution at nucleotide position 5554. The isoleucine at codon 1852 is replaced by valine, an amino acid with highly similar properties. This amino acid position is conserved. In addition, this alteration is predicted to be tolerated by in silico analysis. Since supporting evidence is limited at this time, the clinical significance of this alteration remains unclear.

NM_199420.4(POLQ):c.5554A>G (p.Ile1852Val)

Gene: POLQ (DNA polymerase theta; minus strand). Cytogenetic location: 3q13.33.
Variant type: single nucleotide variant.
Coding change: c.5554A>G on transcript NM_199420.4 (MANE Select); coding-DNA position 5554, A replaced by G.
Protein change: p.Ile1852Val; replaces isoleucine 1852 with valine.
Molecular consequence: missense variant.
Genome position (GRCh38, 1-based): chr3:121,487,377, T>C on the plus strand (A>G on the coding strand, the complement: POLQ is on the minus strand). VCF-style: chr3-121487377-T-C. GRCh37 (hg19) VCF-style: chr3-121206224-T-C.
Other names: short protein forms I1852V.
Identifiers: ClinVar variation 1748250 (VCV001748250.2), dbSNP rs2546784596, ClinGen allele CA354089921.